The following is an entry in ClinVar:

ClinVar aggregate classification (germline): Pathogenic/Likely pathogenic. Review status: criteria provided, multiple submitters, no conflicts (2 of 4 stars). 5 submissions from 5 submitters: Pathogenic (3); Likely pathogenic (2). Last evaluated 2026-08-11.

Conditions:
Cardiovascular phenotype. Identifiers: MedGen CN230736.
Cardiomyopathy (CMYO). Also called: Cardiomyopathies. Identifiers: Orphanet 167848, MedGen C0878544, MONDO:0004994, HP:0001638. Inheritance: Various modes of inheritance.
Arrhythmogenic right ventricular dysplasia 9 (ARVD9). Also called: ARRHYTHMOGENIC RIGHT VENTRICULAR DYSPLASIA, FAMILIAL, 9; Arrhythmogenic Right Ventricular Dysplasia/Cardiomyopathy 9. Identifiers: MedGen C1836906, MONDO:0012180, OMIM 609040.

Submissions (5):

Ambry Genetics
Classification: Pathogenic for Cardiovascular phenotype. Last evaluated: 2026-08-11. Review status: criteria provided, single submitter. Criteria: Ambry Variant Classification Scheme 2023. Collection method: clinical testing. Allele origin: germline.
Comment: The c.1939_1961del23 pathogenic mutation, located in coding exon 9 of the PKP2 gene, results from a deletion of 23 nucleotides at nucleotide positions 1939 to 1961, causing a translational frameshift with a predicted alternate stop codon (p.C647Sfs*88). This variant is considered to be rare based on population cohorts in the Genome Aggregation Database (gnomAD). This alteration is expected to result in loss of function by premature protein truncation or nonsense-mediated mRNA decay. As such, this alteration is interpreted as a disease-causing mutation.

Labcorp Genetics (formerly Invitae), Labcorp
Classification: Pathogenic for Arrhythmogenic right ventricular dysplasia 9. Last evaluated: 2025-12-28. Review status: criteria provided, single submitter. Criteria: Invitae Variant Classification Sherloc (09022015). Collection method: clinical testing. Allele origin: germline.
Comment: This sequence change creates a premature translational stop signal (p.Cys647Serfs*88) in the PKP2 gene. It is expected to result in an absent or disrupted protein product. Loss-of-function variants in PKP2 are known to be pathogenic (PMID: 15489853, 17041889, 23911551). This variant is not present in population databases (gnomAD no frequency). This variant has not been reported in the literature in individuals affected with PKP2-related conditions. ClinVar contains an entry for this variant (Variation ID: 423349). For these reasons, this variant has been classified as Pathogenic.

CeGaT Center for Human Genetics Tuebingen
Classification: Pathogenic. Last evaluated: 2024-10-01. Review status: criteria provided, single submitter. Criteria: CeGaT Center For Human Genetics Tuebingen Variant Classification Criteria Version 2. Collection method: clinical testing. Allele origin: germline. Affected: yes. Observed: 1 variant allele.
Comment: PKP2: PVS1, PM2

CHEO Genetics Diagnostic Laboratory, Children's Hospital of Eastern Ontario
Classification: Likely pathogenic for Cardiomyopathy. Last evaluated: 2022-02-08. Review status: criteria provided, single submitter. Criteria: ACMG Guidelines, 2015. Collection method: clinical testing. Allele origin: germline. Study: Canadian Open Genetics Repository.

GeneDx
Classification: Likely pathogenic. Last evaluated: 2019-08-22. Review status: criteria provided, single submitter. Criteria: GeneDx Variant Classification Process June 2021. Collection method: clinical testing. Allele origin: germline. Affected: yes.
Comment: Has not been previously published as pathogenic or benign to our knowledge; Not observed in large population cohorts (Lek et al., 2016); Frameshift variant predicted to result in protein truncation or nonsense mediated decay in a gene for which loss-of-function is a known mechanism of disease; Multiple downstream frameshift variants in the PKP2 gene have been reported in the Human Gene Mutation Database in association with ARVC (Stenson et al., 2014), indicating that loss of function is a mechanism of disease for this gene

Literature cited by the submitters: PubMed 15489853 (cited by Labcorp Genetics (formerly Invitae), Labcorp); PubMed 17041889 (cited by Labcorp Genetics (formerly Invitae), Labcorp); PubMed 23911551 (cited by Labcorp Genetics (formerly Invitae), Labcorp).

NM_001005242.3(PKP2):c.1807_1829del (p.Cys603fs)

Gene: PKP2 (plakophilin 2; minus strand). Cytogenetic location: 12p11.21.
Variant type: Deletion.
Coding change: c.1807_1829del on transcript NM_001005242.3 (MANE Select); coding-DNA positions 1807 to 1829, 23 bases deleted (TGTTTTGGCAGTCGAAGCAGGAA).
Protein change: p.Cys603fs; shifts the reading frame from cysteine 603.
Molecular consequence: frameshift variant.
Genome position (GRCh38, 1-based): chr12:32,822,477-32,822,499, TTCCTGCTTCGACTGCCAAAACA deleted on the plus strand (TGTTTTGGCAGTCGAAGCAGGAA on the coding strand, the reverse complement: PKP2 is on the minus strand); deleting any 23 consecutive bases within chr12:32,822,477-32,822,500 gives the same sequence; the c. name uses the placement nearest the transcript's 3' end. VCF-style (leftmost placement, unchanged base first): chr12-32822476-TTTCCTGCTTCGACTGCCAAAACA-T. GRCh37 (hg19) VCF-style: chr12-32975410-TTTCCTGCTTCGACTGCCAAAACA-T.
Other names: c.1939_1961delTGTTTTGGCAGTCGAAGCAGGAA (NM_004572.3); c.1939_1961del23 (NM_004572.3); c.1939_1961del, p.Cys647fs (NM_004572.4); short protein forms C603fs.
Identifiers: ClinVar variation 423349 (VCV000423349.26), dbSNP rs1555142963, ClinGen allele CA16619516.
Genomic context (GRCh38, chr12:32,822,476, plus strand): 5'-CTCTCTCTCATTCTCTCCCTTTCTCATTCTTTCAAAAACTTCCCAATATACCTCTTTTAC[TTTCCTGCTTCGACTGCCAAAACA>T]TCCAATACTTTTGTTGTTGTCAGTCTGGATATTCCGGTTTTGAATATAGATATTCTGGGA-3'